The following is an entry in ClinVar:

ClinVar aggregate classification (germline): Likely benign (1 of 4 stars; one submission).

Allele frequency attached by ClinVar (database versions not stated): 1000 Genomes Project 30x 0.00109; 1000 Genomes Project 0.00120; gnomAD 0.00272; TOPMed 0.00282; ESP Exome Variant Server 0.00408.
gnomAD v4.1: 6,782 of 1,612,558 alleles (0.42%); highest among the groups gnomAD compares: Non-Finnish European, 0.52%; 18 homozygotes.

Submission:

CeGaT Center for Human Genetics Tuebingen
Classification: Likely benign. Last evaluated: 2023-05-01. Review status: criteria provided, single submitter. Criteria: CeGaT Center For Human Genetics Tuebingen Variant Classification Criteria Version 2. Collection method: clinical testing. Allele origin: germline. Affected: yes. Observed: 1 variant allele.
Comment: RNF126: BP4, BP7, BS2

NM_194460.3(RNF126):c.300G>A (p.Ala100=)

Gene: RNF126 (ring finger protein 126; minus strand). Cytogenetic location: 19p13.3.
Variant type: single nucleotide variant.
Coding change: c.300G>A on transcript NM_194460.3 (MANE Select); coding-DNA position 300, G replaced by A.
Protein change: p.Ala100=; no amino-acid change (alanine 100 retained).
Molecular consequence: synonymous variant.
Genome position (GRCh38, 1-based): chr19:651,754, C>T on the plus strand (G>A on the coding strand, the complement: RNF126 is on the minus strand). VCF-style: chr19-651754-C-T. GRCh37 (hg19) VCF-style: chr19-651754-C-T.
Other names: c.300G>A, p.Ala100= (NM_001366018.1).
Identifiers: ClinVar variation 2648863 (VCV002648863.24), dbSNP rs139564628, ClinGen allele CA9021565.
Genomic context (GRCh38, chr19:651,754, plus strand): 5'-GTGCCGGGACGGATGGTCTCTCTCCCGCCGGCTCTCAGGGTCCCTGCCGTCGTCAGCCTG[C>T]GCCCCAGGAGGGAACGTGGGGATCTCGAAGCTGTCATCGAAGATGCCGAAAGCAAACTGT-3'
Protein context (NP_919442.1, residues 90-110): SFEIPTFPPG[Ala100=]QADDGRDPES